The following is an entry in ClinVar:

NM_020376.4(PNPLA2):c.1456C>T (p.Pro486Ser)

Gene: PNPLA2 (patatin like domain 2, triacylglycerol lipase; plus strand). Cytogenetic location: 11p15.5.
Variant type: single nucleotide variant.
Coding change: c.1456C>T on transcript NM_020376.4 (MANE Select); coding-DNA position 1456, C replaced by T.
Protein change: p.Pro486Ser; replaces proline 486 with serine.
Molecular consequence: missense variant.
Genome position (GRCh38, 1-based): chr11:824,803, C>T. VCF-style: chr11-824803-C-T. GRCh37 (hg19) VCF-style: chr11-824803-C-T.
Other names: short protein forms P486S.
Identifiers: ClinVar variation 534195 (VCV000534195.8), dbSNP rs1554977196, ClinGen allele CA378985706.

ClinVar aggregate classification (germline): Uncertain significance (1 of 4 stars; one submission).

Conditions:
Neutral lipid storage myopathy (NLSDM). Also called: NEUTRAL LIPID STORAGE DISEASE WITHOUT ICHTHYOSIS. Identifiers: Orphanet 98908, MedGen C1853136, MONDO:0012545, OMIM 610717.

Allele frequency attached by ClinVar (database versions not stated): gnomAD exomes below 0.00001.
gnomAD v4.1: 1 of 1,534,538 alleles (0.000065%); highest among the groups gnomAD compares: Non-Finnish European, 0.000087%; no homozygotes.

Submission:

Labcorp Genetics (formerly Invitae), Labcorp
Classification: Uncertain significance for Neutral lipid storage myopathy. Last evaluated: 2023-07-17. Review status: criteria provided, single submitter. Criteria: Invitae Variant Classification Sherloc (09022015). Collection method: clinical testing. Allele origin: germline.
Comment: This sequence change replaces proline, which is neutral and non-polar, with serine, which is neutral and polar, at codon 486 of the PNPLA2 protein (p.Pro486Ser). This variant is not present in population databases (gnomAD no frequency). This variant has not been reported in the literature in individuals affected with PNPLA2-related conditions. ClinVar contains an entry for this variant (Variation ID: 534195). An algorithm developed to predict the effect of missense changes on protein structure and function (PolyPhen-2) suggests that this variant is likely to be tolerated. In summary, the available evidence is currently insufficient to determine the role of this variant in disease. Therefore, it has been classified as a Variant of Uncertain Significance.